The following is an entry in ClinVar:

ClinVar aggregate classification (germline): Uncertain significance (1 of 4 stars; one submission).

Conditions:
Inborn genetic diseases. Identifiers: MedGen C0950123, MeSH D030342.

gnomAD v4.1: 7 of 1,609,926 alleles (0.00043%); highest among the groups gnomAD compares: Non-Finnish European, 0.00059%; no homozygotes.

Submission:

Ambry Genetics
Classification: Uncertain significance for Inborn genetic diseases. Last evaluated: 2026-03-28. Review status: criteria provided, single submitter. Criteria: Ambry Variant Classification Scheme 2023. Collection method: clinical testing. Allele origin: germline.
Comment: The p.R193L variant (also known as c.578G>T), located in coding exon 5 of the RECQL4 gene, results from a G to T substitution at nucleotide position 578. The arginine at codon 193 is replaced by leucine, an amino acid with dissimilar properties. This amino acid position is conserved. In addition, the in silico prediction for this alteration is inconclusive. Based on the available evidence, the clinical significance of this variant remains unclear.

NM_004260.4(RECQL4):c.578G>T (p.Arg193Leu)

Gene: RECQL4 (RecQ like helicase 4; minus strand). Cytogenetic location: 8q24.3.
Variant type: single nucleotide variant.
Coding change: c.578G>T on transcript NM_004260.4 (MANE Select); coding-DNA position 578, G replaced by T.
Protein change: p.Arg193Leu; replaces arginine 193 with leucine.
Molecular consequence: missense variant. On other transcripts: 5 prime UTR variant (15), non-coding transcript variant (3), intron variant (3).
Genome position (GRCh38, 1-based): chr8:144,516,541, C>A on the plus strand (G>T on the coding strand, the complement: RECQL4 is on the minus strand). VCF-style: chr8-144516541-C-A. GRCh37 (hg19) VCF-style: chr8-145741925-C-A.
Other names: c.578G>T, p.Arg193Leu (NM_001413017.1, NM_001413018.1, NM_001413019.1 and 4 more transcripts); c.-494G>T (NM_001413022.1, NM_001413023.1, NM_001413024.1 and 5 more transcripts); c.449G>T, p.Arg150Leu (NM_001413025.1); c.-556G>T (NM_001413027.1, NM_001413030.1, NM_001413031.1 and 2 more transcripts); c.-398G>T (NM_001413034.1); c.-763G>T (NM_001413043.1); c.355-128G>T (NM_001413029.1); c.-366-128G>T (NM_001413021.1, NM_001413028.1); short protein forms R150L, R193L.
Identifiers: ClinVar variation 4863150 (VCV004863150.1).